The following is an entry in ClinVar:

ClinVar aggregate classification (germline): Uncertain significance (1 of 4 stars; one submission).

Conditions:
Hereditary cancer-predisposing syndrome. Also called: Tumor predisposition; Hereditary Cancer Syndrome; Hereditary neoplastic syndrome; Neoplastic Syndromes, Hereditary. Identifiers: Orphanet 140162, MedGen C0027672, MeSH D009386, MONDO:0015356.

Submission:

Ambry Genetics
Classification: Uncertain significance for Hereditary cancer-predisposing syndrome. Last evaluated: 2023-08-29. Review status: criteria provided, single submitter. Criteria: Ambry Variant Classification Scheme 2023. Collection method: clinical testing. Allele origin: germline.
Comment: The c.321_323delCAT variant (also known as p.I108del) is located in coding exon 2 of the PTCH1 gene. This variant results from an in-frame CAT deletion at nucleotide positions 321 to 323. This results in the in-frame deletion of an isoleucine at codon 108.This amino acid position is highly conserved in available vertebrate species. In addition, this alteration is predicted to be deleterious by in silico analysis (Choi Y et al. PLoS ONE. 2012; 7(10):e46688). Since supporting evidence is limited at this time, the clinical significance of this alteration remains unclear.

NM_000264.5(PTCH1):c.321_323del (p.Ile108del)

Gene: PTCH1 (patched 1; minus strand). Cytogenetic location: 9q22.32.
Variant type: Deletion.
Coding change: c.321_323del on transcript NM_000264.5 (MANE Select); coding-DNA positions 321 to 323, 3 bases deleted (CAT; older notation c.321_323delCAT).
Protein change: p.Ile108del; deletes isoleucine 108.
Molecular consequence: inframe deletion. On other transcripts: 5 prime UTR variant (4), non-coding transcript variant (1), inframe indel (1).
Genome position (GRCh38, 1-based): chr9:95,506,478-95,506,480, ATG deleted on the plus strand (CAT on the coding strand, the reverse complement: PTCH1 is on the minus strand); deleting any 3 consecutive bases within chr9:95,506,478-95,506,481 gives the same sequence; the c. name uses the placement nearest the transcript's 3' end. VCF-style (leftmost placement, unchanged base first): chr9-95506477-TATG-T. GRCh37 (hg19) VCF-style: chr9-98268759-TATG-T.
Other names: c.123_125del, p.Ile42del (NM_001083602.3, NM_001354919.2); c.318_320del, p.Ile107del (NM_001083603.3); c.-133_-131del (NM_001083604.3, NM_001083605.3, NM_001083606.3 and 1 more transcripts); c.321_323del, p.Ile108del (NM_001354918.2); c.321_323delCAT (NM_000264.3); short protein forms I108del, I42del, I107del.
Identifiers: ClinVar variation 2626239 (VCV002626239.2), dbSNP rs2538382904, ClinGen allele CA2582342000.